The following is an entry in ClinVar:

NM_001142800.2(EYS):c.2722A>G (p.Met908Val)

Gene: EYS (EGF-like photoreceptor maintenance factor; minus strand). Cytogenetic location: 6q12.
Variant type: single nucleotide variant.
Coding change: c.2722A>G on transcript NM_001142800.2 (MANE Select); coding-DNA position 2722, A replaced by G.
Protein change: p.Met908Val; replaces methionine 908 with valine.
Molecular consequence: missense variant.
Genome position (GRCh38, 1-based): chr6:64,902,420, T>C on the plus strand (A>G on the coding strand, the complement: EYS is on the minus strand). VCF-style: chr6-64902420-T-C. GRCh37 (hg19) VCF-style: chr6-65612313-T-C.
Other names: c.2722A>G, p.Met908Val (NM_001292009.2); short protein forms M908V.
Identifiers: ClinVar variation 1019143 (VCV001019143.3), dbSNP rs951142049, ClinGen allele CA140379041.

ClinVar aggregate classification (germline): Uncertain significance. Review status: criteria provided, multiple submitters, no conflicts (2 of 4 stars). 2 submissions from 2 submitters: Uncertain significance (2). Last evaluated 2022-06-13.

Allele frequency attached by ClinVar (database versions not stated): gnomAD 0.00001; TOPMed 0.00001.
gnomAD v4.1: 3 of 1,539,586 alleles (0.00019%); highest among the groups gnomAD compares: East Asian, 0.0025%; no homozygotes.

Submissions (2):

Labcorp Genetics (formerly Invitae), Labcorp
Classification: Uncertain significance. Last evaluated: 2022-06-13. Review status: criteria provided, single submitter. Criteria: Invitae Variant Classification Sherloc (09022015). Collection method: clinical testing. Allele origin: germline.
Comment: This sequence change replaces methionine, which is neutral and non-polar, with valine, which is neutral and non-polar, at codon 908 of the EYS protein (p.Met908Val). This variant is not present in population databases (gnomAD no frequency). This variant has not been reported in the literature in individuals affected with EYS-related conditions. ClinVar contains an entry for this variant (Variation ID: 1019143). Algorithms developed to predict the effect of missense changes on protein structure and function (SIFT, PolyPhen-2, Align-GVGD) all suggest that this variant is likely to be tolerated. In summary, the available evidence is currently insufficient to determine the role of this variant in disease. Therefore, it has been classified as a Variant of Uncertain Significance.

Blueprint Genetics
Classification: Uncertain significance. Last evaluated: 2019-11-16. Review status: criteria provided, single submitter. Criteria: ACMG Guidelines, 2015. Collection method: clinical testing. Allele origin: germline.